The following is an entry in ClinVar:

ClinVar aggregate classification (germline): Uncertain significance (1 of 4 stars; one submission).

Conditions:
Fibrous dysplasia of jaw (CRBM). Also called: Cherubism. Identifiers: Orphanet 184, MedGen C0008029, MONDO:0007315, OMIM 118400.

Submission:

Labcorp Genetics (formerly Invitae), Labcorp
Classification: Uncertain significance for Fibrous dysplasia of jaw. Last evaluated: 2025-07-03. Review status: criteria provided, single submitter. Criteria: Invitae Variant Classification Sherloc (09022015). Collection method: clinical testing. Allele origin: germline.
Comment: This sequence change creates a premature translational stop signal (p.Asp419Argfs*11) in the SH3BP2 gene. It is expected to result in an absent or disrupted protein product. However, the current clinical and genetic evidence is not sufficient to establish whether loss-of-function variants in SH3BP2 cause disease. This variant is not present in population databases (gnomAD no frequency). This variant has not been reported in the literature in individuals affected with SH3BP2-related conditions. ClinVar contains an entry for this variant (Variation ID: 1392785). Experimental studies and prediction algorithms are not available or were not evaluated, and the functional significance of this variant is currently unknown. In summary, the available evidence is currently insufficient to determine the role of this variant in disease. Therefore, it has been classified as a Variant of Uncertain Significance.

NM_001122681.2(SH3BP2):c.1254dup (p.Asp419fs)

Gene: SH3BP2 (SH3 domain binding protein 2; plus strand). Cytogenetic location: 4p16.3.
Variant type: Duplication.
Coding change: c.1254dup on transcript NM_001122681.2 (MANE Select); coding-DNA position 1254, one base duplicated (C; older notation c.1254dupC).
Protein change: p.Asp419fs; shifts the reading frame from aspartic acid 419.
Molecular consequence: frameshift variant.
Genome position (GRCh38, 1-based): chr4:2,831,583, C duplicated; the last of 6 consecutive C bases (chr4:2,831,578-2,831,583); duplicating any one gives the same sequence. VCF-style (leftmost placement, unchanged base first): chr4-2831577-A-AC. GRCh37 (hg19) VCF-style: chr4-2833304-A-AC.
Other names: c.1338dup, p.Asp447fs (NM_001145855.2); c.1425dup, p.Asp476fs (NM_001145856.2); c.1254dup, p.Asp419fs (NM_003023.4); short protein forms D419fs, D476fs, D447fs.
Identifiers: ClinVar variation 1392785 (VCV001392785.6), dbSNP rs752422406, ClinGen allele CA2819444.